The following is an entry in ClinVar:

NM_002582.4(PARN):c.919-5T>A

Gene: PARN (poly(A)-specific ribonuclease; minus strand). Cytogenetic location: 16p13.12.
Variant type: single nucleotide variant.
Coding change: c.919-5T>A on transcript NM_002582.4 (MANE Select); 5 bases into the intron before coding-DNA position 919, T replaced by A.
Molecular consequence: intron variant.
Genome position (GRCh38, 1-based): chr16:14,586,366, A>T on the plus strand (T>A on the coding strand, the complement: PARN is on the minus strand). VCF-style: chr16-14586366-A-T. GRCh37 (hg19) VCF-style: chr16-14680223-A-T.
Other names: c.736-5T>A (NM_001134477.3); c.781-5T>A (NM_001242992.2).
Identifiers: ClinVar variation 1026197 (VCV001026197.9), dbSNP rs1969855483, ClinGen allele CA2209379102.
Genomic context (GRCh38, chr16:14,586,366, plus strand): 5'-AAGAAAGCTTACCTGGGGAAAACACATGTTGTCATCTCTTTAAACTCACTTAAGTCCTAA[A>T]GAACAAGAGAAGGACTTGTTACAATTTTCCTAATACACTCGCAGTATTAAAAAACATGTA-3'

ClinVar aggregate classification (germline): Uncertain significance (1 of 4 stars; one submission).

Conditions:
Dyskeratosis congenita, autosomal recessive 6 (DKCB6). Identifiers: MedGen C4225356, MONDO:0014600, OMIM 616353.
Pulmonary fibrosis and/or bone marrow failure, Telomere-related, 4. Also called: PULMONARY FIBROSIS AND/OR BONE MARROW FAILURE SYNDROME, TELOMERE-RELATED, 4. Identifiers: Orphanet 2032, MedGen C4225347, MONDO:0014612, OMIM 616371.

Submission:

Labcorp Genetics (formerly Invitae), Labcorp
Classification: Uncertain significance for Dyskeratosis congenita, autosomal recessive 6; Pulmonary fibrosis and/or bone marrow failure, Telomere-related, 4. Last evaluated: 2024-02-24. Review status: criteria provided, single submitter. Criteria: Invitae Variant Classification Sherloc (09022015). Collection method: clinical testing. Allele origin: germline.
Comment: This sequence change falls in intron 13 of the PARN gene. It does not directly change the encoded amino acid sequence of the PARN protein. This variant is not present in population databases (gnomAD no frequency). This variant has not been reported in the literature in individuals affected with PARN-related conditions. ClinVar contains an entry for this variant (Variation ID: 1026197). Algorithms developed to predict the effect of sequence changes on RNA splicing suggest that this variant may disrupt the consensus splice site. In summary, the available evidence is currently insufficient to determine the role of this variant in disease. Therefore, it has been classified as a Variant of Uncertain Significance.